The following is an entry in ClinVar:

NM_000138.5(FBN1):c.7720A>C (p.Asn2574His)

Gene: FBN1 (fibrillin 1; minus strand). Cytogenetic location: 15q21.1.
Variant type: single nucleotide variant.
Coding change: c.7720A>C on transcript NM_000138.5 (MANE Select); coding-DNA position 7720, A replaced by C.
Protein change: p.Asn2574His; replaces asparagine 2574 with histidine.
Molecular consequence: missense variant.
Genome position (GRCh38, 1-based): chr15:48,420,786, T>G on the plus strand (A>C on the coding strand, the complement: FBN1 is on the minus strand). VCF-style: chr15-48420786-T-G. GRCh37 (hg19) VCF-style: chr15-48712983-T-G.
Other names: c.7720A>C, p.Asn2574His (NM_001406716.1); short protein forms N2574H.
Identifiers: ClinVar variation 5005421 (VCV005005421.2).

ClinVar aggregate classification (germline): Uncertain significance (1 of 4 stars; one submission).

Conditions:
Acromicric dysplasia (ACMICD). Also called: Acromicric skeletal dysplasia. Identifiers: Orphanet 969, MedGen C0265287, MONDO:0007055, OMIM 102370.
Progeroid and marfanoid aspect-lipodystrophy syndrome. Also called: MARFANOID-PROGEROID SYNDROME; MARFAN-PROGEROID-LIPODYSTROPHY SYNDROME; Marfan lipodystrophy syndrome; MARFANOID-PROGEROID-LIPODYSTROPHY SYNDROME. Identifiers: Orphanet 300382, MedGen C4310796, MONDO:0014831, OMIM 616914.
MASS syndrome (OCTD). Also called: OVERLAP CONNECTIVE TISSUE DISEASE; MASS PHENOTYPE. Identifiers: MedGen C1858556, MONDO:0011431, OMIM 604308.
Geleophysic dysplasia 2 (GPHYSD2). Identifiers: Orphanet 2623, MedGen C3280054, MONDO:0013612, OMIM 614185.
Weill-Marchesani syndrome 2, dominant. Also called: Weill-Marchesani Syndrome, Autosomal Dominant; FBN1-Related Weill-Marchesani Syndrome. Identifiers: Orphanet 2084, MedGen C1869115, MONDO:0012013, OMIM 608328.
Stiff skin syndrome (SSKS). Identifiers: Orphanet 2833, MedGen C1861456, MONDO:0008492, OMIM 184900.
Marfan syndrome (MFS). Also called: Marfan syndrome type 1; FBN1-Related Marfan Syndrome; MARFAN SYNDROME, TYPE I; Marfan's syndrome; Marfan syndrome, classic. Identifiers: Orphanet 284963, Orphanet 558, MedGen C0024796, MONDO:0007947, OMIM 154700.
Ectopia lentis 1, isolated, autosomal dominant (ECTOL1). Identifiers: Orphanet 1885, MedGen C3541518, MONDO:0007514, OMIM 129600.

Submission:

Juno Genomics, Hangzhou Juno Genomics, Inc
Classification: Uncertain significance for Stiff skin syndrome; Weill-Marchesani syndrome 2, dominant; Acromicric dysplasia; Ectopia lentis 1, isolated, autosomal dominant; Geleophysic dysplasia 2; Progeroid and marfanoid aspect-lipodystrophy syndrome; Marfan syndrome; MASS syndrome. Review status: criteria provided, single submitter. Criteria: ACMG Guidelines, 2015. Collection method: clinical testing. Allele origin: germline.
Comment: Missense variant in a gene that has a low rate of benign missense variation.;Multiple lines of computational evidence support a deleterious effect on the gene or gene product.;Absent from controls (or at extremely low frequency if recessive) in Genome Aggregation Database.